The following is an entry in ClinVar:

NM_020738.4(KIDINS220):c.2454C>T (p.Asn818=)

Gene: KIDINS220 (kinase D interacting substrate 220; minus strand). Cytogenetic location: 2p25.1.
Variant type: single nucleotide variant.
Coding change: c.2454C>T on transcript NM_020738.4 (MANE Select); coding-DNA position 2454, C replaced by T.
Protein change: p.Asn818=; no amino-acid change (asparagine 818 retained).
Molecular consequence: synonymous variant. On other transcripts: non-coding transcript variant (2).
Genome position (GRCh38, 1-based): chr2:8,779,056, G>A on the plus strand (C>T on the coding strand, the complement: KIDINS220 is on the minus strand). VCF-style: chr2-8779056-G-A. GRCh37 (hg19) VCF-style: chr2-8919186-G-A.
Other names: c.2454C>T (NM_020738.2); c.2457C>T, p.Asn819= (NM_001348729.2, NM_001348731.2, NM_001348734.2 and 3 more transcripts); c.2454C>T, p.Asn818= (NM_001348732.2, NM_001348735.2, NM_001348738.2 and 3 more transcripts); c.2328C>T, p.Asn776= (NM_001348736.2).
Identifiers: ClinVar variation 2086378 (VCV002086378.6), dbSNP rs753216779, ClinGen allele CA1519969.

ClinVar aggregate classification (germline): Likely benign. Review status: criteria provided, single submitter (1 of 4 stars). 2 submissions from 2 submitters: Likely benign (1). 1 of the submissions does not count toward it. Last evaluated 2023-07-17.

Conditions:
KIDINS220-related disorder. Also called: KIDINS220-related condition.

Allele frequency attached by ClinVar (database versions not stated): ExAC 0.00007; gnomAD exomes 0.00007; gnomAD 0.00023; TOPMed 0.00025.
gnomAD v4.1: 139 of 1,613,934 alleles (0.0086%); highest among the groups gnomAD compares: Admixed American, 0.12%; no homozygotes.

Submissions (2):

Labcorp Genetics (formerly Invitae), Labcorp
Classification: Likely benign. Last evaluated: 2023-07-17. Review status: criteria provided, single submitter. Criteria: Invitae Variant Classification Sherloc (09022015). Collection method: clinical testing. Allele origin: germline.

PreventionGenetics, part of Exact Sciences
Classification: Likely benign for KIDINS220-related condition. Last evaluated: 2022-12-09. Review status: no assertion criteria provided. Collection method: clinical testing. Allele origin: germline. Not counted in ClinVar's aggregate classification.
Comment: This variant is classified as likely benign based on ACMG/AMP sequence variant interpretation guidelines (Richards et al. 2015 PMID: 25741868, with internal and published modifications).